The following is an entry in ClinVar:

ClinVar aggregate classification (germline): Uncertain significance (1 of 4 stars; one submission).

Submission:

Labcorp Genetics (formerly Invitae), Labcorp
Classification: Uncertain significance. Last evaluated: 2022-06-28. Review status: criteria provided, single submitter. Criteria: Invitae Variant Classification Sherloc (09022015). Collection method: clinical testing. Allele origin: germline.
Comment: Algorithms developed to predict the effect of missense changes on protein structure and function (SIFT, PolyPhen-2, Align-GVGD) all suggest that this variant is likely to be tolerated. In summary, the available evidence is currently insufficient to determine the role of this variant in disease. Therefore, it has been classified as a Variant of Uncertain Significance. ClinVar contains an entry for this variant (Variation ID: 1021888). This variant has not been reported in the literature in individuals affected with PRPF3-related conditions. This variant is not present in population databases (gnomAD no frequency). This sequence change replaces threonine, which is neutral and polar, with asparagine, which is neutral and polar, at codon 309 of the PRPF3 protein (p.Thr309Asn).

NM_004698.4(PRPF3):c.926C>A (p.Thr309Asn)

Gene: PRPF3 (pre-mRNA processing factor 3; plus strand). Cytogenetic location: 1q21.2.
Variant type: single nucleotide variant.
Coding change: c.926C>A on transcript NM_004698.4 (MANE Select); coding-DNA position 926, C replaced by A.
Protein change: p.Thr309Asn; replaces threonine 309 with asparagine.
Molecular consequence: missense variant. On other transcripts: non-coding transcript variant (4).
Genome position (GRCh38, 1-based): chr1:150,335,132, C>A. VCF-style: chr1-150335132-C-A. GRCh37 (hg19) VCF-style: chr1-150307603-C-A.
Other names: c.521C>A, p.Thr174Asn (NM_001350529.1); short protein forms T174N, T309N.
Identifiers: ClinVar variation 1021888 (VCV001021888.10), dbSNP rs782644120, ClinGen allele CA342294514.